The following is an entry in ClinVar:

ClinVar aggregate classification (germline): Conflicting classifications of pathogenicity. Review status: criteria provided, conflicting classifications (1 of 4 stars). 3 submissions from 3 submitters: Uncertain significance (2); Benign (1). Last evaluated 2026-06-22.

Conditions:
Retinitis pigmentosa (RP). Identifiers: Orphanet 791, MedGen C0035334, MeSH D012174, MONDO:0019200, OMIM 268000. Inheritance: Autosomal dominant, autosomal recessive and X linked inheritance.
RP2-related disorder. Also called: RP2-related condition.

Allele frequency attached by ClinVar (database versions not stated): gnomAD 0.00001 and 0.00002; gnomAD exomes 0.00003 and 0.00004; TOPMed 0.00004; ExAC 0.00007.
gnomAD v4.1: 33 of 1,166,811 alleles (0.0028%); highest among the groups gnomAD compares: East Asian, 0.023%; no homozygotes.

Submissions (3):

PreventionGenetics, part of Exact Sciences
Classification: Uncertain significance for RP2-related condition. Last evaluated: 2026-06-22. Review status: criteria provided, single submitter. Criteria: ACMG Guidelines, 2015. Collection method: clinical testing. Allele origin: germline.
Comment: The RP2 c.11T>G variant is predicted to result in the amino acid substitution p.Phe4Cys. To our knowledge, this variant has not been reported in the literature. This variant is present in 0.0089% of alleles in individuals of European (Non-Finnish) descent in gnomAD, including multiple hemizygotes. Therefore, although we suspect that this variant may be benign, at this time, the clinical significance of this variant is uncertain due to the absence of conclusive functional and genetic evidence.

Labcorp Genetics (formerly Invitae), Labcorp
Classification: Benign. Last evaluated: 2025-09-22. Review status: criteria provided, single submitter. Criteria: Invitae Variant Classification Sherloc (09022015). Collection method: clinical testing. Allele origin: germline.

Illumina Laboratory Services, Illumina
Classification: Uncertain significance for Retinitis pigmentosa. Last evaluated: 2018-01-13. Review status: criteria provided, single submitter. Criteria: ICSL Variant Classification Criteria 13 December 2019. Collection method: clinical testing. Allele origin: germline.

NM_006915.3(RP2):c.11T>G (p.Phe4Cys)

Genes: RP2 (RP2 activator of ARL3 GTPase; plus strand), LOC130068202 (ATAC-STARR-seq lymphoblastoid active region 29577; plus strand). Cytogenetic location: Xp11.3.
Variant type: single nucleotide variant.
Coding change: c.11T>G on transcript NM_006915.3 (MANE Select); coding-DNA position 11, T replaced by G.
Protein change: p.Phe4Cys; replaces phenylalanine 4 with cysteine.
Molecular consequence: missense variant.
Genome position (GRCh38, 1-based): chrX:46,837,111, T>G. VCF-style: chrX-46837111-T-G. GRCh37 (hg19) VCF-style: chrX-46696546-T-G.
Other names: short protein forms F4C.
Identifiers: ClinVar variation 914211 (VCV000914211.13), dbSNP rs782190396, ClinGen allele CA10394160.